The following is an entry in ClinVar:

ClinVar aggregate classification (germline): Uncertain significance (0 of 4 stars; one submission).

Conditions:
POLR1D-related disorder. Also called: POLR1D-related condition.

gnomAD v4.1: 1 of 1,613,744 alleles (0.000062%); highest among the groups gnomAD compares: Non-Finnish European, 0.000085%; no homozygotes.

Submission:

PreventionGenetics, part of Exact Sciences
Classification: Uncertain significance for POLR1D-related condition. Last evaluated: 2024-09-19. Review status: no assertion criteria provided. Collection method: clinical testing. Allele origin: germline.
Comment: The POLR1D c.74A>G variant is predicted to result in the amino acid substitution p.Asn25Ser. To our knowledge, this variant has not been reported in the literature or in a large population database, indicating this variant is rare. At this time, the clinical significance of this variant is uncertain due to the absence of conclusive functional and genetic evidence.

NM_001206559.2(POLR1D):c.74A>G (p.Asn25Ser)

Genes: POLR1D (RNA polymerase I and III subunit D; plus strand), LOC147380392 (uncharacterized LOC147380392; plus strand). Cytogenetic location: 13q12.2.
Variant type: single nucleotide variant.
Coding change: c.74A>G on transcript NM_001206559.2; coding-DNA position 74, A replaced by G.
Protein change: p.Asn25Ser; replaces asparagine 25 with serine.
Molecular consequence: missense variant.
Genome position (GRCh38, 1-based): chr13:27,665,742, A>G. VCF-style: chr13-27665742-A-G. GRCh37 (hg19) VCF-style: chr13-28239879-A-G.
Other names: c.158A>G, p.Asn53Ser (NM_152705.3); short protein forms N25S, N53S.
Identifiers: ClinVar variation 3344420 (VCV003344420.1).